The following is an entry in ClinVar:

ClinVar aggregate classification (germline): Uncertain significance. Review status: criteria provided, multiple submitters, no conflicts (2 of 4 stars). 2 submissions from 2 submitters: Uncertain significance (2). Last evaluated 2025-05-27.

Allele frequency attached by ClinVar (database versions not stated): gnomAD 0.00003; TOPMed 0.00011.

Submissions (2):

Labcorp Genetics (formerly Invitae), Labcorp
Classification: Uncertain significance. Last evaluated: 2025-05-27. Review status: criteria provided, single submitter. Criteria: Invitae Variant Classification Sherloc (09022015). Collection method: clinical testing. Allele origin: germline.
Comment: This sequence change replaces alanine, which is neutral and non-polar, with serine, which is neutral and polar, at codon 6 of the GINS1 protein (p.Ala6Ser). This variant is present in population databases (no rsID available, gnomAD 0.02%). This variant has not been reported in the literature in individuals affected with GINS1-related conditions. ClinVar contains an entry for this variant (Variation ID: 2402668). An algorithm developed to predict the effect of missense changes on protein structure and function (PolyPhen-2) suggests that this variant is likely to be tolerated. In summary, the available evidence is currently insufficient to determine the role of this variant in disease. Therefore, it has been classified as a Variant of Uncertain Significance.

Ambry Genetics
Classification: Uncertain significance. Last evaluated: 2022-09-14. Review status: criteria provided, single submitter. Criteria: Ambry Variant Classification Scheme 2023. Collection method: clinical testing. Allele origin: germline.

NM_021067.5(GINS1):c.16G>T (p.Ala6Ser)

Genes: GINS1 (GINS complex subunit 1; plus strand), LOC130065587 (ATAC-STARR-seq lymphoblastoid active region 17669; plus strand). Cytogenetic location: 20p11.21.
Variant type: single nucleotide variant.
Coding change: c.16G>T on transcript NM_021067.5 (MANE Select); coding-DNA position 16, G replaced by T.
Protein change: p.Ala6Ser; replaces alanine 6 with serine.
Molecular consequence: missense variant. On other transcripts: non-coding transcript variant (1).
Genome position (GRCh38, 1-based): chr20:25,407,836, G>T. VCF-style: chr20-25407836-G-T. GRCh37 (hg19) VCF-style: chr20-25388472-G-T.
Other names: c.16G>T, p.Ala6Ser (NM_001410830.1, NM_001410831.1); short protein forms A6S.
Identifiers: ClinVar variation 2402668 (VCV002402668.3), dbSNP rs929875804, ClinGen allele CA313701284.